The following is an entry in ClinVar:

ClinVar aggregate classification (germline): Pathogenic (1 of 4 stars; one submission).

Conditions:
Deafness-lymphedema-leukemia syndrome. Also called: Lymphedema, primary, with myelodysplasia; Emberger syndrome. Identifiers: Orphanet 3226, MedGen C3279664, MONDO:0013540, OMIM 614038.
Monocytopenia with susceptibility to infections. Also called: MONOCYTOPENIA AND MYCOBACTERIAL INFECTION SYNDROME; MONOCYTOPENIA WITH SUSCEPTIBILITY TO MYCOBACTERIAL, FUNGAL, AND PAPILLOMAVIRUS INFECTIONS AND MYELODYSPLASIA; COMBINED IMMUNODEFICIENCY WITH SUSCEPTIBILITY TO MYCOBACTERIAL, VIRAL, AND FUNGAL INFECTIONS; Dendritic cell, monocyte, B lymphocyte, and natural killer lymphocyte deficiency; IMMUNODEFICIENCY 21; GATA2 DEFICIENCY. Identifiers: Orphanet 228423, MedGen C3280030, MONDO:0013607, OMIM 614172.

Submission:

Labcorp Genetics (formerly Invitae), Labcorp
Classification: Pathogenic for Monocytopenia with susceptibility to infections; Deafness-lymphedema-leukemia syndrome. Last evaluated: 2023-04-27. Review status: criteria provided, single submitter. Criteria: Invitae Variant Classification Sherloc (09022015). Collection method: clinical testing. Allele origin: germline.
Comment: This sequence change creates a premature translational stop signal (p.Gly268Argfs*25) in the GATA2 gene. It is expected to result in an absent or disrupted protein product. Loss-of-function variants in GATA2 are known to be pathogenic (PMID: 21670465, 23223431). For these reasons, this variant has been classified as Pathogenic. This variant has not been reported in the literature in individuals affected with GATA2-related conditions. This variant is not present in population databases (gnomAD no frequency).

Literature cited by the submitters: PubMed 21670465; PubMed 23223431.

NM_032638.5(GATA2):c.801_802insCGCCCACGACTACAGCAGCGGACTCTTCCACCCC (p.Gly268fs)

Gene: GATA2 (GATA binding protein 2; minus strand). Cytogenetic location: 3q21.3.
Variant type: Microsatellite.
Coding change: c.801_802insCGCCCACGACTACAGCAGCGGACTCTTCCACCCC on transcript NM_032638.5 (MANE Select); coding-DNA positions 801 to 802, CGCCCACGACTACAGCAGCGGACTCTTCCACCCC inserted.
Protein change: p.Gly268fs; shifts the reading frame from glycine 268.
Molecular consequence: frameshift variant.
Genome position: GRCh38: chr3:128,485,797-128,485,829. GRCh37 (hg19): chr3:128,204,640-128,204,672.
Other names: c.801_802insCGCCCACGACTACAGCAGCGGACTCTTCCACCCC, p.Gly268fs (NM_001145661.2, NM_001145662.1); short protein forms G268fs.
Identifiers: ClinVar variation 2947215 (VCV002947215.3), dbSNP rs2472929919.